The following is an entry in ClinVar:

NM_032383.5(HPS3):c.2526C>G (p.His842Gln)

Genes: CP (ceruloplasmin; minus strand), HPS3 (HPS3 biogenesis of lysosomal organelles complex 2 subunit 1; plus strand). Cytogenetic location: 3q24.
Variant type: single nucleotide variant.
Coding change: c.2526C>G on transcript NM_032383.5 (MANE Select); coding-DNA position 2526, C replaced by G.
Protein change: p.His842Gln; replaces histidine 842 with glutamine.
Molecular consequence: missense variant.
Genome position (GRCh38, 1-based): chr3:149,163,886, C>G. VCF-style: chr3-149163886-C-G. GRCh37 (hg19) VCF-style: chr3-148881673-C-G.
Other names: c.2031C>G, p.His677Gln (NM_001308258.2); short protein forms H677Q, H842Q.
Identifiers: ClinVar variation 1447300 (VCV001447300.5), dbSNP rs3732557, ClinGen allele CA354924768.

ClinVar aggregate classification (germline): Uncertain significance (1 of 4 stars; one submission).

gnomAD v4.1: 1 of 1,579,434 alleles (0.000063%); highest among the groups gnomAD compares: Admixed American, 0.0017%; no homozygotes.

Submission:

Labcorp Genetics (formerly Invitae), Labcorp
Classification: Uncertain significance. Last evaluated: 2021-09-01. Review status: criteria provided, single submitter. Criteria: Invitae Variant Classification Sherloc (09022015). Collection method: clinical testing. Allele origin: germline.
Comment: This sequence change replaces histidine with glutamine at codon 842 of the HPS3 protein (p.His842Gln). The histidine residue is weakly conserved and there is a small physicochemical difference between histidine and glutamine. This variant is not present in population databases (ExAC no frequency). This variant has not been reported in the literature in individuals affected with HPS3-related conditions. Algorithms developed to predict the effect of missense changes on protein structure and function (SIFT, PolyPhen-2, Align-GVGD) all suggest that this variant is likely to be tolerated. Algorithms developed to predict the effect of sequence changes on RNA splicing suggest that this variant may create or strengthen a splice site. In summary, the available evidence is currently insufficient to determine the role of this variant in disease. Therefore, it has been classified as a Variant of Uncertain Significance.